The following is an entry in ClinVar:

NM_001005242.3(PKP2):c.1379-2002A>G

Gene: PKP2 (plakophilin 2; minus strand). Cytogenetic location: 12p11.21.
Variant type: single nucleotide variant.
Coding change: c.1379-2002A>G on transcript NM_001005242.3 (MANE Select); 2002 bases into the intron before coding-DNA position 1379, A replaced by G.
Molecular consequence: intron variant. On other transcripts: synonymous variant (1).
Genome position (GRCh38, 1-based): chr12:32,843,207, T>C on the plus strand (A>G on the coding strand, the complement: PKP2 is on the minus strand). VCF-style: chr12-32843207-T-C. GRCh37 (hg19) VCF-style: chr12-32996141-T-C.
Other names: c.1485A>G, p.Gly495= (NM_004572.4).
Identifiers: ClinVar variation 699224 (VCV000699224.11), dbSNP rs1283785731, ClinGen allele CA479177709.

ClinVar aggregate classification (germline): Likely benign. Review status: criteria provided, multiple submitters, no conflicts (2 of 4 stars). 2 submissions from 2 submitters: Likely benign (2). Last evaluated 2025-12-31.

Conditions:
Arrhythmogenic right ventricular cardiomyopathy (ARVD). Also called: Arrhythmogenic cardiomyopathy; Cardiomyopathy, ARVC; Arrhythmogenic right ventricular dysplasia; Arrhythmogenic Right Ventricular Cardiomyopathy (ARVC). Identifiers: Orphanet 247, MedGen C0349788, MeSH D019571, MONDO:0016587. Disease mechanism: loss of function. Inheritance: Various modes of inheritance.
Arrhythmogenic right ventricular dysplasia 9 (ARVD9). Also called: Arrhythmogenic Right Ventricular Dysplasia/Cardiomyopathy 9; ARRHYTHMOGENIC RIGHT VENTRICULAR DYSPLASIA, FAMILIAL, 9. Identifiers: MedGen C1836906, MONDO:0012180, OMIM 609040.

Submissions (2):

Labcorp Genetics (formerly Invitae), Labcorp
Classification: Likely benign for Arrhythmogenic right ventricular dysplasia 9. Last evaluated: 2025-12-31. Review status: criteria provided, single submitter. Criteria: Invitae Variant Classification Sherloc (09022015). Collection method: clinical testing. Allele origin: germline.

All of Us Research Program, National Institutes of Health
Classification: Likely benign for Arrhythmogenic right ventricular cardiomyopathy. Last evaluated: 2023-05-04. Review status: criteria provided, single submitter. Criteria: ACMG Guidelines, 2015. Collection method: clinical testing. Allele origin: germline. Inheritance: Autosomal dominant inheritance. Observed: 1 variant allele, 1 heterozygote.
Comment: This study involves interpretation of variants in research participants for the purpose of population health screening. Participant phenotype was not available at the time of variant classification. Additional details can be found in publication PMID: 35346344, PMCID: PMC8962531